The following is an entry in ClinVar:

NM_019032.6(ADAMTSL4):c.713_716del (p.Thr238fs)

Genes: ADAMTSL4 (ADAMTS like 4; plus strand), ADAMTSL4-AS2 (ADAMTSL4 antisense RNA 2; minus strand). Cytogenetic location: 1q21.2.
Variant type: Microsatellite.
Coding change: c.713_716del on transcript NM_019032.6 (MANE Select); coding-DNA positions 713 to 716, 4 bases deleted (CAGA; older notation c.713_716delCAGA).
Protein change: p.Thr238fs; shifts the reading frame from threonine 238.
Molecular consequence: frameshift variant.
Genome position (GRCh38, 1-based): chr1:150,553,704-150,553,707, CAGA deleted; deleting any 4 consecutive bases within chr1:150,553,700-150,553,707 gives the same sequence; the c. name uses the placement nearest the transcript's 3' end. VCF-style (leftmost placement, unchanged base first): chr1-150553699-TCAGA-T. GRCh37 (hg19) VCF-style: chr1-150526175-TCAGA-T.
Other names: c.713_716del, p.Thr238fs (NM_001288607.2, NM_001288608.2, NM_001378596.1 and 1 more transcripts); short protein forms T238fs.
Identifiers: ClinVar variation 3623701 (VCV003623701.2).

ClinVar aggregate classification (germline): Pathogenic (1 of 4 stars; one submission).

Submission:

Labcorp Genetics (formerly Invitae), Labcorp
Classification: Pathogenic. Last evaluated: 2025-02-26. Review status: criteria provided, single submitter. Criteria: Invitae Variant Classification Sherloc (09022015). Collection method: clinical testing. Allele origin: germline.
Comment: This sequence change creates a premature translational stop signal (p.Thr238Argfs*31) in the ADAMTSL4 gene. It is expected to result in an absent or disrupted protein product. Loss-of-function variants in ADAMTSL4 are known to be pathogenic (PMID: 20564469, 28642162). This variant is present in population databases (rs775965947, gnomAD 0.007%). This variant has not been reported in the literature in individuals affected with ADAMTSL4-related conditions. For these reasons, this variant has been classified as Pathogenic.

Literature cited by the submitters: PubMed 20564469; PubMed 28642162.